The following is an entry in ClinVar:

ClinVar aggregate classification (germline): Uncertain significance (1 of 4 stars; one submission).

Submission:

Labcorp Genetics (formerly Invitae), Labcorp
Classification: Uncertain significance. Last evaluated: 2025-02-16. Review status: criteria provided, single submitter. Criteria: Invitae Variant Classification Sherloc (09022015). Collection method: clinical testing. Allele origin: germline.
Comment: This sequence change replaces leucine, which is neutral and non-polar, with histidine, which is basic and polar, at codon 387 of the KRT14 protein (p.Leu387His). This variant is not present in population databases (gnomAD no frequency). This variant has not been reported in the literature in individuals affected with KRT14-related conditions. Invitae Evidence Modeling of protein sequence and biophysical properties (such as structural, functional, and spatial information, amino acid conservation, physicochemical variation, residue mobility, and thermodynamic stability) indicates that this missense variant is expected to disrupt KRT14 protein function with a positive predictive value of 80%. In summary, the available evidence is currently insufficient to determine the role of this variant in disease. Therefore, it has been classified as a Variant of Uncertain Significance.

NM_000526.5(KRT14):c.1160T>A (p.Leu387His)

Gene: KRT14 (keratin 14; minus strand). Cytogenetic location: 17q21.2.
Variant type: single nucleotide variant.
Coding change: c.1160T>A on transcript NM_000526.5 (MANE Select); coding-DNA position 1160, T replaced by A.
Protein change: p.Leu387His; replaces leucine 387 with histidine.
Molecular consequence: missense variant.
Genome position (GRCh38, 1-based): chr17:41,583,349, A>T on the plus strand (T>A on the coding strand, the complement: KRT14 is on the minus strand). VCF-style: chr17-41583349-A-T. GRCh37 (hg19) VCF-style: chr17-39739601-A-T.
Other names: short protein forms L387H.
Identifiers: ClinVar variation 4741257 (VCV004741257.1).